The following is an entry in ClinVar:

NM_177438.3(DICER1):c.*2309A>G

Gene: DICER1 (dicer 1, ribonuclease III; minus strand). Cytogenetic location: 14q32.13.
Variant type: single nucleotide variant.
Coding change: c.*2309A>G on transcript NM_177438.3 (MANE Select); 2309 bases downstream of the stop codon, A replaced by G.
Molecular consequence: 3 prime UTR variant.
Genome position (GRCh38, 1-based): chr14:95,088,189, T>C on the plus strand (A>G on the coding strand, the complement: DICER1 is on the minus strand). VCF-style: chr14-95088189-T-C. GRCh37 (hg19) VCF-style: chr14-95554526-T-C.
Other names: c.*2425A>G (NM_001195573.1); c.*2309A>G (NM_001271282.3, NM_001291628.2, NM_030621.4).
Identifiers: ClinVar variation 315068 (VCV000315068.6), dbSNP rs7158095, ClinGen allele CA10641387.

ClinVar aggregate classification (germline): Benign (1 of 4 stars; one submission).

Conditions:
DICER1-related tumor predisposition. Also called: DICER1-related pleuropulmonary blastoma cancer predisposition syndrome; DICER1 syndrome. Identifiers: Orphanet 284343, MedGen C3839822, MONDO:0100216.

Allele frequency attached by ClinVar (database versions not stated): gnomAD exomes 0.00669; 1000 Genomes Project 0.03335; gnomAD 0.03374 and 0.03644; 1000 Genomes Project 30x 0.03592; TOPMed 0.03811.
gnomAD v4.1: 5,651 of 232,638 alleles (2.4%); highest among the groups gnomAD compares: African/African-American, 12%; 344 homozygotes.

Submission:

Illumina Laboratory Services, Illumina
Classification: Benign for Pleuropulmonary blastoma. Last evaluated: 2018-01-12. Review status: criteria provided, single submitter. Criteria: ICSL Variant Classification Criteria 13 December 2019. Collection method: clinical testing. Allele origin: germline.
Comment: This variant was observed in the ICSL laboratory as part of a predisposition screen in an ostensibly healthy population. It had not been previously curated by ICSL or reported in the Human Gene Mutation Database (HGMD: prior to June 1st, 2018), and was therefore a candidate for classification through an automated scoring system. Utilizing variant allele frequency, disease prevalence and penetrance estimates, and inheritance mode, an automated score was calculated to assess if this variant is too frequent to cause the disease. Based on the score and internal cut-off values, a variant classified as benign is not then subjected to further curation. The score for this variant resulted in a classification of benign for this disease.